The following is an entry in ClinVar:

NM_002076.4(GNS):c.1375T>G (p.Ser459Ala)

Gene: GNS (glucosamine (N-acetyl)-6-sulfatase; minus strand). Cytogenetic location: 12q14.3.
Variant type: single nucleotide variant.
Coding change: c.1375T>G on transcript NM_002076.4 (MANE Select); coding-DNA position 1375, T replaced by G.
Protein change: p.Ser459Ala; replaces serine 459 with alanine.
Molecular consequence: missense variant.
Genome position (GRCh38, 1-based): chr12:64,721,639, A>C on the plus strand (T>G on the coding strand, the complement: GNS is on the minus strand). VCF-style: chr12-64721639-A-C. GRCh37 (hg19) VCF-style: chr12-65115419-A-C.
Other names: short protein forms S459A.
Identifiers: ClinVar variation 2771637 (VCV002771637.3), dbSNP rs2539503865, ClinGen allele CA385601963.

ClinVar aggregate classification (germline): Uncertain significance (1 of 4 stars; one submission).

Conditions:
Mucopolysaccharidosis, MPS-III-D (MPS3D). Also called: MPS IIID (Sanfilippo Syndrome Type D); N-ACETYLGLUCOSAMINE-6-SULFATASE DEFICIENCY; SANFILIPPO SYNDROME D; MPS III D; Mucopoly-saccharidosis type 3D; N-acetylglucosamine-6-sulfate sulfatase deficiency. Identifiers: Orphanet 581, Orphanet 79272, MedGen C0086650, MONDO:0009658, OMIM 252940.

Allele frequency attached by ClinVar (database versions not stated): gnomAD exomes below 0.00001.
gnomAD v4.1: 1 of 1,599,020 alleles (0.000063%); highest among the groups gnomAD compares: Non-Finnish European, 0.000086%; no homozygotes.

Submission:

Labcorp Genetics (formerly Invitae), Labcorp
Classification: Uncertain significance for Mucopolysaccharidosis, MPS-III-D. Last evaluated: 2023-06-05. Review status: criteria provided, single submitter. Criteria: Invitae Variant Classification Sherloc (09022015). Collection method: clinical testing. Allele origin: germline.
Comment: In summary, the available evidence is currently insufficient to determine the role of this variant in disease. Therefore, it has been classified as a Variant of Uncertain Significance. Advanced modeling of protein sequence and biophysical properties (such as structural, functional, and spatial information, amino acid conservation, physicochemical variation, residue mobility, and thermodynamic stability) performed at Invitae indicates that this missense variant is not expected to disrupt GNS protein function. This variant has not been reported in the literature in individuals affected with GNS-related conditions. This variant is not present in population databases (gnomAD no frequency). This sequence change replaces serine, which is neutral and polar, with alanine, which is neutral and non-polar, at codon 459 of the GNS protein (p.Ser459Ala).